The following is an entry in ClinVar:

ClinVar aggregate classification (germline): Uncertain significance (1 of 4 stars; one submission).

Submission:

Labcorp Genetics (formerly Invitae), Labcorp
Classification: Uncertain significance. Last evaluated: 2021-12-21. Review status: criteria provided, single submitter. Criteria: Invitae Variant Classification Sherloc (09022015). Collection method: clinical testing. Allele origin: germline.
Comment: In summary, the available evidence is currently insufficient to determine the role of this variant in disease. Therefore, it has been classified as a Variant of Uncertain Significance. Advanced modeling of protein sequence and biophysical properties (such as structural, functional, and spatial information, amino acid conservation, physicochemical variation, residue mobility, and thermodynamic stability) performed at Invitae indicates that this missense variant is expected to disrupt PNPT1 protein function. This variant has not been reported in the literature in individuals affected with PNPT1-related conditions. This variant is not present in population databases (gnomAD no frequency). This sequence change replaces serine, which is neutral and polar, with phenylalanine, which is neutral and non-polar, at codon 70 of the PNPT1 protein (p.Ser70Phe).

NM_033109.5(PNPT1):c.209C>T (p.Ser70Phe)

Gene: PNPT1 (polyribonucleotide nucleotidyltransferase 1; minus strand). Cytogenetic location: 2p16.1.
Variant type: single nucleotide variant.
Coding change: c.209C>T on transcript NM_033109.5 (MANE Select); coding-DNA position 209, C replaced by T.
Protein change: p.Ser70Phe; replaces serine 70 with phenylalanine.
Molecular consequence: missense variant.
Genome position (GRCh38, 1-based): chr2:55,687,658, G>A on the plus strand (C>T on the coding strand, the complement: PNPT1 is on the minus strand). VCF-style: chr2-55687658-G-A. GRCh37 (hg19) VCF-style: chr2-55914793-G-A.
Other names: short protein forms S70F.
Identifiers: ClinVar variation 1896844 (VCV001896844.5), dbSNP rs2529627607, ClinGen allele CA346943118.